The following is an entry in ClinVar:

ClinVar aggregate classification (germline): Uncertain significance (1 of 4 stars; one submission).

Conditions:
Multiple congenital exostosis (EXT). Also called: Multiple osteochondromas; MULTIPLE CARTILAGINOUS EXOSTOSES; Hereditary multiple osteochondromas; Hereditary multiple exostoses; Hereditary multiple exostosis; Multiple exostoses. Identifiers: Orphanet 321, MedGen C0015306, MONDO:0005508, HP:0002762.

gnomAD v4.1: 28 of 1,613,266 alleles (0.0017%); highest among the groups gnomAD compares: Non-Finnish European, 0.0023%; no homozygotes.

Submission:

Labcorp Genetics (formerly Invitae), Labcorp
Classification: Uncertain significance for Multiple congenital exostosis. Last evaluated: 2025-10-23. Review status: criteria provided, single submitter. Criteria: Invitae Variant Classification Sherloc (09022015). Collection method: clinical testing. Allele origin: germline.
Comment: This sequence change replaces serine, which is neutral and polar, with phenylalanine, which is neutral and non-polar, at codon 492 of the EXT1 protein (p.Ser492Phe). This variant is not present in population databases (gnomAD no frequency). This variant has not been reported in the literature in individuals affected with EXT1-related conditions. Invitae Evidence Modeling of protein sequence and biophysical properties (such as structural, functional, and spatial information, amino acid conservation, physicochemical variation, residue mobility, and thermodynamic stability) has been performed for this missense variant. However, the output from this modeling did not meet the statistical confidence thresholds required to predict the impact of this variant on EXT1 protein function. In summary, the available evidence is currently insufficient to determine the role of this variant in disease. Therefore, it has been classified as a Variant of Uncertain Significance.

NM_000127.3(EXT1):c.1475C>T (p.Ser492Phe)

Gene: EXT1 (exostosin glycosyltransferase 1; minus strand). Cytogenetic location: 8q24.11.
Variant type: single nucleotide variant.
Coding change: c.1475C>T on transcript NM_000127.3 (MANE Select); coding-DNA position 1475, C replaced by T.
Protein change: p.Ser492Phe; replaces serine 492 with phenylalanine.
Molecular consequence: missense variant.
Genome position (GRCh38, 1-based): chr8:117,819,737, G>A on the plus strand (C>T on the coding strand, the complement: EXT1 is on the minus strand). VCF-style: chr8-117819737-G-A. GRCh37 (hg19) VCF-style: chr8-118831976-G-A.
Other names: short protein forms S492F.
Identifiers: ClinVar variation 4755315 (VCV004755315.1).